The following is an entry in ClinVar:

ClinVar aggregate classification (germline): Likely benign (1 of 4 stars; one submission).

Submission:

CeGaT Center for Human Genetics Tuebingen
Classification: Likely benign. Last evaluated: 2026-03-01. Review status: criteria provided, single submitter. Criteria: CeGaT Center For Human Genetics Tuebingen Variant Classification Criteria Version 2. Collection method: clinical testing. Allele origin: germline. Affected: yes. Observed: 1 variant allele.
Comment: WHR1: BP4, BS2

NM_004197.2(WHR1):c.650C>T (p.Ala217Val)

Gene: WHR1 (winged helix repair factor 1; plus strand). Cytogenetic location: 6p21.33.
Variant type: single nucleotide variant.
Coding change: c.650C>T on transcript NM_004197.2 (MANE Select); coding-DNA position 650, C replaced by T.
Protein change: p.Ala217Val; replaces alanine 217 with valine.
Molecular consequence: missense variant. On other transcripts: non-coding transcript variant (1).
Genome position (GRCh38, 1-based): chr6:31,980,732, C>T. VCF-style: chr6-31980732-C-T. GRCh37 (hg19) VCF-style: chr6-31948509-C-T.
Other names: c.992C>T, p.Ala331Val (NM_032454.1); short protein forms A217V, A331V.
Identifiers: ClinVar variation 4820768 (VCV004820768.4).